The following is an entry in ClinVar:

NM_004370.6(COL12A1):c.2932A>G (p.Thr978Ala)

Gene: COL12A1 (collagen type XII alpha 1 chain; minus strand). Cytogenetic location: 6q13.
Variant type: single nucleotide variant.
Coding change: c.2932A>G on transcript NM_004370.6 (MANE Select); coding-DNA position 2932, A replaced by G.
Protein change: p.Thr978Ala; replaces threonine 978 with alanine.
Molecular consequence: missense variant. On other transcripts: intron variant (2).
Genome position (GRCh38, 1-based): chr6:75,165,558, T>C on the plus strand (A>G on the coding strand, the complement: COL12A1 is on the minus strand). VCF-style: chr6-75165558-T-C. GRCh37 (hg19) VCF-style: chr6-75875274-T-C.
Other names: c.2932A>G, p.Thr978Ala (NM_001424113.1, NM_001424114.1); c.2659A>G, p.Thr887Ala (NM_001424115.1); c.74-13076A>G (NM_001424116.1, NM_080645.3); short protein forms T978A, T887A.
Identifiers: ClinVar variation 2939499 (VCV002939499.3), dbSNP rs1178537000, ClinGen allele CA364757644.

ClinVar aggregate classification (germline): Uncertain significance (1 of 4 stars; one submission).

Conditions:
Ullrich congenital muscular dystrophy 2 (UCMD2). Identifiers: Orphanet 75840, MedGen C4225314, MONDO:0014654, OMIM 616470.
Bethlem myopathy 2 (BTHLM2). Identifiers: Orphanet 536516, Orphanet 610, MedGen C4225313, MONDO:0034022, OMIM 616471.

Allele frequency attached by ClinVar (database versions not stated): gnomAD exomes below 0.00001.
gnomAD v4.1: 1 of 1,613,964 alleles (0.000062%); highest among the groups gnomAD compares: East Asian, 0.0022%; no homozygotes.

Submission:

Labcorp Genetics (formerly Invitae), Labcorp
Classification: Uncertain significance for Bethlem myopathy 2; Ullrich congenital muscular dystrophy 2. Last evaluated: 2023-06-27. Review status: criteria provided, single submitter. Criteria: Invitae Variant Classification Sherloc (09022015). Collection method: clinical testing. Allele origin: germline.
Comment: This sequence change replaces threonine, which is neutral and polar, with alanine, which is neutral and non-polar, at codon 978 of the COL12A1 protein (p.Thr978Ala). This variant is present in population databases (no rsID available, gnomAD 0.006%). This variant has not been reported in the literature in individuals affected with COL12A1-related conditions. Advanced modeling of protein sequence and biophysical properties (such as structural, functional, and spatial information, amino acid conservation, physicochemical variation, residue mobility, and thermodynamic stability) performed at Invitae indicates that this missense variant is not expected to disrupt COL12A1 protein function. In summary, the available evidence is currently insufficient to determine the role of this variant in disease. Therefore, it has been classified as a Variant of Uncertain Significance.